The following is an entry in ClinVar:

NM_198253.3(TERT):c.565C>T (p.His189Tyr)

Gene: TERT (telomerase reverse transcriptase; minus strand). Cytogenetic location: 5p15.33.
Variant type: single nucleotide variant.
Coding change: c.565C>T on transcript NM_198253.3 (MANE Select); coding-DNA position 565, C replaced by T.
Protein change: p.His189Tyr; replaces histidine 189 with tyrosine.
Molecular consequence: missense variant. On other transcripts: non-coding transcript variant (2).
Genome position (GRCh38, 1-based): chr5:1,294,321, G>A on the plus strand (C>T on the coding strand, the complement: TERT is on the minus strand). VCF-style: chr5-1294321-G-A. GRCh37 (hg19) VCF-style: chr5-1294436-G-A.
Other names: c.565C>T, p.His189Tyr (NM_001193376.3, NM_003219.1); short protein forms H189Y.
Identifiers: ClinVar variation 3238471 (VCV003238471.1), dbSNP rs1561214604.
Genomic context (GRCh38, chr5:1,294,321, plus strand): 5'-CCCTGACGCTATGGTTCCAGGCCCGTTCGCATCCCAGACGCCTTCGGGGTCCACTAGCGT[G>A]TGGCGGGGGCCGGGCCTGAGTGGCAGCGCCGAGCTGGTACAGCGGCGGCCCGCACACCTG-3'
Protein context (NP_937983.2, residues 179-199): GAATQARPPP[His189Tyr]ASGPRRRLGC

ClinVar aggregate classification (germline): Uncertain significance (1 of 4 stars; one submission).

Conditions:
Dyskeratosis congenita. Identifiers: Orphanet 1775, MedGen C0265965, MONDO:0015780.

Allele frequency attached by ClinVar (database versions not stated): gnomAD exomes below 0.00001.
gnomAD v4.1: 1 of 1,587,444 alleles (0.000063%); highest among the groups gnomAD compares: Non-Finnish European, 0.000085%; no homozygotes.

Submission:

Ambry Genetics
Classification: Uncertain significance for Dyskeratosis congenita. Last evaluated: 2023-12-04. Review status: criteria provided, single submitter. Criteria: Ambry Variant Classification Scheme 2023. Collection method: clinical testing. Allele origin: germline.
Comment: The p.H189Y variant (also known as c.565C>T), located in coding exon 2 of the TERT gene, results from a C to T substitution at nucleotide position 565. The histidine at codon 189 is replaced by tyrosine, an amino acid with similar properties. This amino acid position is conserved. In addition, this alteration is predicted to be tolerated by in silico analysis. Since supporting evidence is limited at this time, the clinical significance of this alteration remains unclear.